The following is an entry in ClinVar:

ClinVar aggregate classification (germline): Uncertain significance (1 of 4 stars; one submission).

Conditions:
Hereditary cancer-predisposing syndrome. Also called: Neoplastic Syndromes, Hereditary; Tumor predisposition; Hereditary Cancer Syndrome; Hereditary neoplastic syndrome. Identifiers: Orphanet 140162, MedGen C0027672, MeSH D009386, MONDO:0015356.

gnomAD v4.1: 1 of 1,613,818 alleles (0.000062%); highest among the groups gnomAD compares: Non-Finnish European, 0.000085%; no homozygotes.

Submission:

Ambry Genetics
Classification: Uncertain significance for Hereditary cancer-predisposing syndrome. Last evaluated: 2025-12-06. Review status: criteria provided, single submitter. Criteria: Ambry Variant Classification Scheme 2023. Collection method: clinical testing. Allele origin: germline.
Comment: The p.F39V variant (also known as c.115T>G), located in coding exon 2 of the EPCAM gene, results from a T to G substitution at nucleotide position 115. The phenylalanine at codon 39 is replaced by valine, an amino acid with highly similar properties. This amino acid position is conserved. In addition, this alteration is predicted to be tolerated by in silico analysis. Based on the available evidence, the clinical significance of this variant remains unclear.

NM_002354.3(EPCAM):c.115T>G (p.Phe39Val)

Gene: EPCAM (epithelial cell adhesion molecule; plus strand). Cytogenetic location: 2p21.
Variant type: single nucleotide variant.
Coding change: c.115T>G on transcript NM_002354.3 (MANE Select); coding-DNA position 115, T replaced by G.
Protein change: p.Phe39Val; replaces phenylalanine 39 with valine.
Molecular consequence: missense variant.
Genome position (GRCh38, 1-based): chr2:47,373,501, T>G. VCF-style: chr2-47373501-T-G. GRCh37 (hg19) VCF-style: chr2-47600640-T-G.
Other names: short protein forms F39V.
Identifiers: ClinVar variation 4640219 (VCV004640219.1).